The following is an entry in ClinVar:

NM_000245.4(MET):c.1626C>A (p.His542Gln)

Gene: MET (MET proto-oncogene, receptor tyrosine kinase; plus strand). Cytogenetic location: 7q31.2.
Variant type: single nucleotide variant.
Coding change: c.1626C>A on transcript NM_000245.4 (MANE Select); coding-DNA position 1626, C replaced by A.
Protein change: p.His542Gln; replaces histidine 542 with glutamine.
Molecular consequence: missense variant.
Genome position (GRCh38, 1-based): chr7:116,740,950, C>A. VCF-style: chr7-116740950-C-A. GRCh37 (hg19) VCF-style: chr7-116381004-C-A.
Other names: c.1626C>A, p.His542Gln (NM_001127500.3, NM_001324401.3); c.336C>A, p.His112Gln (NM_001324402.2); short protein forms H112Q, H542Q.
Identifiers: ClinVar variation 836570 (VCV000836570.11), dbSNP rs762898756, ClinGen allele CA368975539.

ClinVar aggregate classification (germline): Conflicting classifications of pathogenicity. Review status: criteria provided, conflicting classifications (1 of 4 stars). 2 submissions from 2 submitters: Uncertain significance (1); Likely benign (1). Last evaluated 2026-05-15.

Conditions:
Renal cell carcinoma. Identifiers: Orphanet 217071, MedGen C0007134, MeSH D002292, MONDO:0005086, HP:0005584.
Hereditary cancer-predisposing syndrome. Also called: Tumor predisposition; Neoplastic Syndromes, Hereditary; Hereditary neoplastic syndrome; Hereditary Cancer Syndrome. Identifiers: Orphanet 140162, MedGen C0027672, MeSH D009386, MONDO:0015356.

gnomAD v4.1: 2 of 1,614,052 alleles (0.00012%); highest among the groups gnomAD compares: Non-Finnish European, 0.00017%; no homozygotes.

Submissions (2):

Ambry Genetics
Classification: Likely benign for Hereditary cancer-predisposing syndrome. Last evaluated: 2026-05-15. Review status: criteria provided, single submitter. Criteria: Ambry Variant Classification Scheme 2023. Collection method: clinical testing. Allele origin: germline.

Labcorp Genetics (formerly Invitae), Labcorp
Classification: Uncertain significance for Renal cell carcinoma. Last evaluated: 2023-02-10. Review status: criteria provided, single submitter. Criteria: Invitae Variant Classification Sherloc (09022015). Collection method: clinical testing. Allele origin: germline.
Comment: This sequence change replaces histidine, which is basic and polar, with glutamine, which is neutral and polar, at codon 542 of the MET protein (p.His542Gln). This variant is not present in population databases (gnomAD no frequency). This variant has not been reported in the literature in individuals affected with MET-related conditions. ClinVar contains an entry for this variant (Variation ID: 836570). Advanced modeling of protein sequence and biophysical properties (such as structural, functional, and spatial information, amino acid conservation, physicochemical variation, residue mobility, and thermodynamic stability) performed at Invitae indicates that this missense variant is not expected to disrupt MET protein function. In summary, the available evidence is currently insufficient to determine the role of this variant in disease. Therefore, it has been classified as a Variant of Uncertain Significance.